The following is an entry in ClinVar:

NM_022552.5(DNMT3A):c.1273C>G (p.Pro425Ala)

Gene: DNMT3A (DNA methyltransferase 3 alpha; minus strand). Cytogenetic location: 2p23.3.
Variant type: single nucleotide variant.
Coding change: c.1273C>G on transcript NM_022552.5 (MANE Select); coding-DNA position 1273, C replaced by G.
Protein change: p.Pro425Ala; replaces proline 425 with alanine.
Molecular consequence: missense variant. On other transcripts: non-coding transcript variant (1).
Genome position (GRCh38, 1-based): chr2:25,246,626, G>C on the plus strand (C>G on the coding strand, the complement: DNMT3A is on the minus strand). VCF-style: chr2-25246626-G-C. GRCh37 (hg19) VCF-style: chr2-25469495-G-C.
Other names: c.817C>G, p.Pro273Ala (NM_001320893.1); c.604C>G, p.Pro202Ala (NM_001375819.1); c.706C>G, p.Pro236Ala (NM_153759.3); c.1273C>G, p.Pro425Ala (NM_175629.2); short protein forms P202A, P236A, P273A, P425A.
Identifiers: ClinVar variation 2650724 (VCV002650724.24), dbSNP rs2465532838, ClinGen allele CA346072974.

ClinVar aggregate classification (germline): Uncertain significance (1 of 4 stars; one submission).

Submission:

CeGaT Center for Human Genetics Tuebingen
Classification: Uncertain significance. Last evaluated: 2023-06-01. Review status: criteria provided, single submitter. Criteria: CeGaT Center For Human Genetics Tuebingen Variant Classification Criteria Version 2. Collection method: clinical testing. Allele origin: germline. Affected: yes. Observed: 1 variant allele.
Comment: DNMT3A: PM2